The following is an entry in ClinVar:

ClinVar aggregate classification (germline): Benign. Review status: criteria provided, single submitter (1 of 4 stars). 2 submissions from 2 submitters: Benign (1). 1 of the submissions does not count toward it. Last evaluated 2018-07-21.

Conditions:
MYO16-related disorder. Also called: MYO16-related condition.

Allele frequency attached by ClinVar (database versions not stated): 1000 Genomes Project 0.00060; 1000 Genomes Project 30x 0.00062; gnomAD 0.00079 and 0.00087; TOPMed 0.00082; ExAC 0.00115; ESP Exome Variant Server 0.00115; gnomAD exomes 0.00116 and 0.00142.
gnomAD v4.1: 2,199 of 1,607,452 alleles (0.14%); highest among the groups gnomAD compares: South Asian, 0.27%; 7 homozygotes.

Submissions (2):

Labcorp Genetics (formerly Invitae), Labcorp
Classification: Benign. Last evaluated: 2018-07-21. Review status: criteria provided, single submitter. Criteria: Invitae Variant Classification Sherloc (09022015). Collection method: clinical testing. Allele origin: germline.

PreventionGenetics, part of Exact Sciences
Classification: Likely benign for MYO16-related condition. Last evaluated: 2019-03-01. Review status: no assertion criteria provided. Collection method: clinical testing. Allele origin: germline. Not counted in ClinVar's aggregate classification.
Comment: This variant is classified as likely benign based on ACMG/AMP sequence variant interpretation guidelines (Richards et al. 2015 PMID: 25741868, with internal and published modifications).

NM_001198950.3(MYO16):c.1590A>G (p.Lys530=)

Gene: MYO16 (myosin XVI; plus strand). Cytogenetic location: 13q33.3.
Variant type: single nucleotide variant.
Coding change: c.1590A>G on transcript NM_001198950.3 (MANE Select); coding-DNA position 1590, A replaced by G.
Protein change: p.Lys530=; no amino-acid change (lysine 530 retained).
Molecular consequence: synonymous variant.
Genome position (GRCh38, 1-based): chr13:108,888,408, A>G. VCF-style: chr13-108888408-A-G. GRCh37 (hg19) VCF-style: chr13-109540756-A-G.
Other names: c.1524A>G, p.Lys508= (NM_015011.3).
Identifiers: ClinVar variation 711383 (VCV000711383.5), dbSNP rs45507695, ClinGen allele CA7044805.